The following is an entry in ClinVar:

ClinVar aggregate classification (germline): Uncertain significance (0 of 4 stars; one submission).

Conditions:
F13A1-related disorder. Also called: F13A1-related condition.

Submission:

PreventionGenetics, part of Exact Sciences
Classification: Uncertain significance for F13A1-related condition. Last evaluated: 2023-12-16. Review status: no assertion criteria provided. Collection method: clinical testing. Allele origin: germline.
Comment: The F13A1 c.749T>C variant is predicted to result in the amino acid substitution p.Leu250Pro. This variant has been reported in the homozygous state in an individual with severe factor XIII deficiency (described as p.Leu249Pro, Handrkova et al. 2015. PubMed ID: 25832324). This variant has not been reported in a large population database, indicating this variant is rare. Although we suspect that this variant may be pathogenic, at this time, the clinical significance of this variant is uncertain due to the absence of conclusive functional and genetic evidence.

NM_000129.4(F13A1):c.749T>C (p.Leu250Pro)

Gene: F13A1 (coagulation factor XIII A chain; minus strand). Cytogenetic location: 6p25.1.
Variant type: single nucleotide variant.
Coding change: c.749T>C on transcript NM_000129.4 (MANE Select); coding-DNA position 749, T replaced by C.
Protein change: p.Leu250Pro; replaces leucine 250 with proline.
Molecular consequence: missense variant.
Genome position (GRCh38, 1-based): chr6:6,248,361, A>G on the plus strand (T>C on the coding strand, the complement: F13A1 is on the minus strand). VCF-style: chr6-6248361-A-G. GRCh37 (hg19) VCF-style: chr6-6248594-A-G.
Other names: short protein forms L250P.
Identifiers: ClinVar variation 3052282 (VCV003052282.2), dbSNP rs2480648228, ClinGen allele CA362740346.
Genomic context (GRCh38, chr6:6,248,361, plus strand): 5'-TTGCTGCTTACCATTGCAGACCCCACACGGCTGACTTTGATGGGATTCCCTCTTCCAGAG[A>G]GGTCCATTTGTGCTCTGTCCATCACATACAGGCAAGTGTCCAGGATGCCATCTTCAAACT-3'
Protein context (NP_000120.2, residues 240-260): LYVMDRAQMD[Leu250Pro]SGRGNPIKVS